The following is an entry in ClinVar:

ClinVar aggregate classification (germline): Uncertain significance (1 of 4 stars; one submission).

Conditions:
Cornelia de Lange syndrome 1 (CDLS1). Also called: NIPBL-Related Cornelia de Lange Syndrome; Brachmann de Lange syndrome; TYPUS DEGENERATIVUS AMSTELODAMENSIS. Identifiers: Orphanet 199, MedGen C4551851, MONDO:0007387, OMIM 122470.

Allele frequency attached by ClinVar (database versions not stated): gnomAD exomes below 0.00001.
gnomAD v4.1: 1 of 1,614,116 alleles (0.000062%); highest among the groups gnomAD compares: Non-Finnish European, 0.000085%; no homozygotes.

Submission:

Labcorp Genetics (formerly Invitae), Labcorp
Classification: Uncertain significance for Cornelia de Lange syndrome 1. Last evaluated: 2024-01-22. Review status: criteria provided, single submitter. Criteria: Invitae Variant Classification Sherloc (09022015). Collection method: clinical testing. Allele origin: germline.
Comment: This sequence change replaces glutamine, which is neutral and polar, with glutamic acid, which is acidic and polar, at codon 2790 of the NIPBL protein (p.Gln2790Glu). This variant is not present in population databases (gnomAD no frequency). This variant has not been reported in the literature in individuals affected with NIPBL-related conditions. ClinVar contains an entry for this variant (Variation ID: 2100306). Advanced modeling of protein sequence and biophysical properties (such as structural, functional, and spatial information, amino acid conservation, physicochemical variation, residue mobility, and thermodynamic stability) has been performed at Invitae for this missense variant, however the output from this modeling did not meet the statistical confidence thresholds required to predict the impact of this variant on NIPBL protein function. In summary, the available evidence is currently insufficient to determine the role of this variant in disease. Therefore, it has been classified as a Variant of Uncertain Significance.

NM_133433.4(NIPBL):c.8368C>G (p.Gln2790Glu)

Gene: NIPBL (NIPBL cohesin loading factor; plus strand). Cytogenetic location: 5p13.2.
Variant type: single nucleotide variant.
Coding change: c.8368C>G on transcript NM_133433.4 (MANE Select); coding-DNA position 8368, C replaced by G.
Protein change: p.Gln2790Glu; replaces glutamine 2790 with glutamic acid.
Molecular consequence: missense variant. On other transcripts: 3 prime UTR variant (1).
Genome position (GRCh38, 1-based): chr5:37,064,845, C>G. VCF-style: chr5-37064845-C-G. GRCh37 (hg19) VCF-style: chr5-37064947-C-G.
Other names: c.*822C>G (NM_015384.5); short protein forms Q2790E.
Identifiers: ClinVar variation 2100306 (VCV002100306.4), dbSNP rs2149761269, ClinGen allele CA359523624.